The following is an entry in ClinVar:

NM_032409.3(PINK1):c.788G>A (p.Arg263Lys)

Genes: PINK1-AS (PINK1 antisense RNA; minus strand), PINK1 (PTEN induced kinase 1; plus strand). Cytogenetic location: 1p36.12.
Variant type: single nucleotide variant.
Coding change: c.788G>A on transcript NM_032409.3 (MANE Select); coding-DNA position 788, G replaced by A.
Protein change: p.Arg263Lys; replaces arginine 263 with lysine.
Molecular consequence: missense variant.
Genome position (GRCh38, 1-based): chr1:20,644,501, G>A. VCF-style: chr1-20644501-G-A. GRCh37 (hg19) VCF-style: chr1-20970994-G-A.
Other names: short protein forms R263K.
Identifiers: ClinVar variation 2984111 (VCV002984111.3), dbSNP rs2545258132, ClinGen allele CA338832404.

ClinVar aggregate classification (germline): Uncertain significance (1 of 4 stars; one submission).

Conditions:
Autosomal recessive early-onset Parkinson disease 6 (PARK6). Also called: PINK1-Related Parkinson Disease; PARKINSON DISEASE 6, MODIFIER OF; PINK1 Type of Young-Onset Parkinson Disease; PARKINSON DISEASE 6, EARLY-ONSET. Identifiers: Orphanet 2828, MedGen C1853833, MONDO:0011613, OMIM 605909.

Submission:

Labcorp Genetics (formerly Invitae), Labcorp
Classification: Uncertain significance for Autosomal recessive early-onset Parkinson disease 6. Last evaluated: 2024-01-26. Review status: criteria provided, single submitter. Criteria: Invitae Variant Classification Sherloc (09022015). Collection method: clinical testing. Allele origin: germline.
Comment: This sequence change replaces arginine, which is basic and polar, with lysine, which is basic and polar, at codon 263 of the PINK1 protein (p.Arg263Lys). This variant is not present in population databases (gnomAD no frequency). This variant has not been reported in the literature in individuals affected with PINK1-related conditions. Advanced modeling of protein sequence and biophysical properties (such as structural, functional, and spatial information, amino acid conservation, physicochemical variation, residue mobility, and thermodynamic stability) performed at Invitae indicates that this missense variant is not expected to disrupt PINK1 protein function with a negative predictive value of 80%. In summary, the available evidence is currently insufficient to determine the role of this variant in disease. Therefore, it has been classified as a Variant of Uncertain Significance.